The following is an entry in ClinVar:

NM_006929.5(SKIC2):c.1971+2T>C

Gene: SKIC2 (SKI2 subunit of superkiller complex; plus strand). Cytogenetic location: 6p21.33.
Variant type: single nucleotide variant.
Coding change: c.1971+2T>C on transcript NM_006929.5 (MANE Select); the canonical splice donor site of the intron after coding-DNA position 1971, T replaced by C.
Molecular consequence: splice donor variant.
Genome position (GRCh38, 1-based): chr6:31,964,344, T>C. VCF-style: chr6-31964344-T-C. GRCh37 (hg19) VCF-style: chr6-31932121-T-C.
Identifiers: ClinVar variation 3001130 (VCV003001130.3), dbSNP rs2482951342, ClinGen allele CA363465300.

ClinVar aggregate classification (germline): Likely pathogenic (1 of 4 stars; one submission).

Allele frequency attached by ClinVar (database versions not stated): gnomAD exomes below 0.00001.
gnomAD v4.1: 2 of 1,610,432 alleles (0.00012%); highest among the groups gnomAD compares: Non-Finnish European, 0.00017%; no homozygotes.

Submission:

Labcorp Genetics (formerly Invitae), Labcorp
Classification: Likely pathogenic. Last evaluated: 2023-07-26. Review status: criteria provided, single submitter. Criteria: Invitae Variant Classification Sherloc (09022015). Collection method: clinical testing. Allele origin: germline.
Comment: In summary, the currently available evidence indicates that the variant is pathogenic, but additional data are needed to prove that conclusively. Therefore, this variant has been classified as Likely Pathogenic. Algorithms developed to predict the effect of sequence changes on RNA splicing suggest that this variant may disrupt the consensus splice site. This variant has not been reported in the literature in individuals affected with SKIV2L-related conditions. This variant is not present in population databases (gnomAD no frequency). This sequence change affects a donor splice site in intron 17 of the SKIV2L gene. It is expected to disrupt RNA splicing. Variants that disrupt the donor or acceptor splice site typically lead to a loss of protein function (PMID: 16199547), and loss-of-function variants in SKIV2L are known to be pathogenic (PMID: 22444670).

Literature cited by the submitters: PubMed 16199547; PubMed 22444670.